The following is an entry in ClinVar:

NM_016327.3(UPB1):c.792C>A (p.Ser264Arg)

Gene: UPB1 (beta-ureidopropionase 1; plus strand). Cytogenetic location: 22q11.23.
Variant type: single nucleotide variant.
Coding change: c.792C>A on transcript NM_016327.3 (MANE Select); coding-DNA position 792, C replaced by A.
Protein change: p.Ser264Arg; replaces serine 264 with arginine.
Molecular consequence: missense variant.
Genome position (GRCh38, 1-based): chr22:24,520,387, C>A. VCF-style: chr22-24520387-C-A. GRCh37 (hg19) VCF-style: chr22-24916355-C-A.
Other names: p.Ser264Arg; short protein forms S264R.
Identifiers: ClinVar variation 631886 (VCV000631886.16), dbSNP rs145766755, ClinGen allele CA10153357.

ClinVar aggregate classification (germline): Conflicting classifications of pathogenicity. Review status: criteria provided, conflicting classifications (1 of 4 stars). 5 submissions from 5 submitters: Likely pathogenic (1); Uncertain significance (2); Likely benign (2). Last evaluated 2025-09-23.

Conditions:
Deficiency of beta-ureidopropionase (UPB1D). Also called: Beta-ureidopropionase deficiency. Identifiers: Orphanet 65287, MedGen C1291512, MONDO:0013164, OMIM 613161.

Allele frequency attached by ClinVar (database versions not stated): ESP Exome Variant Server 0.00023; TOPMed 0.00040; 1000 Genomes Project 0.00080; 1000 Genomes Project 30x 0.00094.
gnomAD v4.1: 943 of 1,614,116 alleles (0.058%); highest among the groups gnomAD compares: South Asian, 0.16%; 1 homozygote.

Submissions (5):

Women's Health and Genetics/Laboratory Corporation of America, LabCorp
Classification: Likely benign. Last evaluated: 2025-09-23. Review status: criteria provided, single submitter. Criteria: LabCorp Variant Classification Summary - May 2015. Collection method: clinical testing. Allele origin: germline.
Comment: Variant summary: UPB1 c.792C>A (p.Ser264Arg) results in a non-conservative amino acid change in the encoded protein sequence. Algorithms developed to predict the effect of missense changes on protein structure and function all suggest that this variant is likely to be disruptive. Consensus agreement among computation tools predict no significant impact on normal splicing. However, these predictions have yet to be confirmed by functional studies. The variant allele was found at a frequency of 0.00058 in 1614116 control chromosomes, predominantly at a frequency of 0.0045 within the Finnish subpopulation in the gnomAD v4 database, including 1 homozygote. The observed variant frequency within Finnish control individuals in the gnomAD database exceeds the estimated maximal expected allele frequency for disease-causing variants in UPB1. To our knowledge, no experimental evidence demonstrating its impact on protein function has been reported. ClinVar contains an entry for this variant (Variation ID: 631886). Based on the evidence outlined above, the variant was classified as likely benign.

Labcorp Genetics (formerly Invitae), Labcorp
Classification: Likely benign. Last evaluated: 2025-09-10. Review status: criteria provided, single submitter. Criteria: Invitae Variant Classification Sherloc (09022015). Collection method: clinical testing. Allele origin: germline.

GeneDx
Classification: Uncertain significance. Last evaluated: 2025-06-24. Review status: criteria provided, single submitter. Criteria: GeneDx Variant Classification Process June 2021. Collection method: clinical testing. Allele origin: germline. Affected: yes.
Comment: Identified with a second UPB1 variant in patients with features including growth restriction and intellectual disability in published literature; however, it is not known whether the variants occurred on the same (in cis) or on different (in trans) chromosomes (PMID: 22525402); Published functional studies demonstrate a damaging effect: absent protein activity (PMID: 22525402); In silico analysis supports that this missense variant has a deleterious effect on protein structure/function; This variant is associated with the following publications: (PMID: 34426522, 35926322, 22525402)

Blueprint Genetics
Classification: Uncertain significance. Last evaluated: 2024-11-08. Review status: criteria provided, single submitter. Criteria: ACMG Guidelines, 2015. Collection method: clinical testing. Allele origin: germline.

Breakthrough Genomics
Classification: Likely pathogenic for Deficiency of beta-ureidopropionase. Last evaluated: 2020-03-11. Review status: criteria provided, single submitter. Criteria: ACMG Guidelines, 2015. Collection method: clinical testing. Allele origin: germline. Affected: yes.
Comment: This variant was previously reported in a compound heterozygous state in two unrelated individuals with beta-ureidopropionase deficiency [PMID: 22525402, 24526388]. Expression of the variant in E. coli yielded almost no detectable enzyme activity and structural analysis of the protein indicated that the variant abolishes the hydrogen bond to another amino acid, which may affect the shape of the entrance to the binding site [PMID: 22525402].